The following is an entry in ClinVar:

NM_147127.5(EVC2):c.3517A>G (p.Ser1173Gly)

Gene: EVC2 (EvC ciliary complex subunit 2; minus strand). Cytogenetic location: 4p16.2.
Variant type: single nucleotide variant.
Coding change: c.3517A>G on transcript NM_147127.5 (MANE Select); coding-DNA position 3517, A replaced by G.
Protein change: p.Ser1173Gly; replaces serine 1173 with glycine.
Molecular consequence: missense variant.
Genome position (GRCh38, 1-based): chr4:5,568,484, T>C on the plus strand (A>G on the coding strand, the complement: EVC2 is on the minus strand). VCF-style: chr4-5568484-T-C. GRCh37 (hg19) VCF-style: chr4-5570211-T-C.
Other names: c.3277A>G, p.Ser1093Gly (NM_001166136.2); short protein forms S1093G, S1173G.
Identifiers: ClinVar variation 4794579 (VCV004794579.1).

ClinVar aggregate classification (germline): Uncertain significance (1 of 4 stars; one submission).

Conditions:
Ellis-van Creveld syndrome (EVC). Also called: MESOECTODERMAL DYSPLASIA; EVC-Related Ellis-van Creveld Syndrome; EVC2-Related Ellis-van Creveld Syndrome; Chondroectodermal dysplasia. Identifiers: Orphanet 289, MedGen C0013903, MONDO:0009162, OMIM 225500.
Curry-Hall syndrome (WAD). Also called: WEYERS ACRODENTAL DYSOSTOSIS. Identifiers: Orphanet 952, MedGen C0457013, MONDO:0008673, OMIM 193530.

gnomAD v4.1: 4 of 1,580,216 alleles (0.00025%); highest among the groups gnomAD compares: Non-Finnish European, 0.00034%; no homozygotes.

Submission:

Labcorp Genetics (formerly Invitae), Labcorp
Classification: Uncertain significance for Curry-Hall syndrome; Ellis-van Creveld syndrome. Last evaluated: 2025-12-19. Review status: criteria provided, single submitter. Criteria: Invitae Variant Classification Sherloc (09022015). Collection method: clinical testing. Allele origin: germline.
Comment: This sequence change replaces serine, which is neutral and polar, with glycine, which is neutral and non-polar, at codon 1173 of the EVC2 protein (p.Ser1173Gly). This variant is not present in population databases (gnomAD no frequency). This variant has not been reported in the literature in individuals affected with EVC2-related conditions. An algorithm developed to predict the effect of missense changes on protein structure and function outputs the following: PolyPhen-2: "Benign". The glycine amino acid residue is found in multiple mammalian species, which suggests that this missense change does not adversely affect protein function. In summary, the available evidence is currently insufficient to determine the role of this variant in disease. Therefore, it has been classified as a Variant of Uncertain Significance.